The following is an entry in ClinVar:

ClinVar aggregate classification (germline): Uncertain significance. Review status: criteria provided, multiple submitters, no conflicts (2 of 4 stars). 2 submissions from 2 submitters: Uncertain significance (2). Last evaluated 2025-02-13.

Conditions:
Inborn genetic diseases. Identifiers: MedGen C0950123, MeSH D030342.

Allele frequency attached by ClinVar (database versions not stated): gnomAD exomes 0.00001 and 0.00002; ExAC 0.00003.
gnomAD v4.1: 3 of 1,613,480 alleles (0.00019%); highest among the groups gnomAD compares: Admixed American, 0.005%; no homozygotes.

Submissions (2):

Ambry Genetics
Classification: Uncertain significance for Inborn genetic diseases. Last evaluated: 2025-02-13. Review status: criteria provided, single submitter. Criteria: Ambry Variant Classification Scheme 2023. Collection method: clinical testing. Allele origin: germline.

Labcorp Genetics (formerly Invitae), Labcorp
Classification: Uncertain significance. Last evaluated: 2022-01-18. Review status: criteria provided, single submitter. Criteria: Invitae Variant Classification Sherloc (09022015). Collection method: clinical testing. Allele origin: germline.
Comment: This sequence change replaces isoleucine, which is neutral and non-polar, with methionine, which is neutral and non-polar, at codon 738 of the MPDZ protein (p.Ile738Met). This variant is present in population databases (rs770825861, gnomAD 0.01%). This variant has not been reported in the literature in individuals affected with MPDZ-related conditions. Algorithms developed to predict the effect of missense changes on protein structure and function are either unavailable or do not agree on the potential impact of this missense change (SIFT: "Deleterious"; PolyPhen-2: "Benign"; Align-GVGD: "Class C0"). In summary, the available evidence is currently insufficient to determine the role of this variant in disease. Therefore, it has been classified as a Variant of Uncertain Significance.

NM_001378778.1(MPDZ):c.2214T>G (p.Ile738Met)

Gene: MPDZ (multiple PDZ domain crumbs cell polarity complex component; minus strand). Cytogenetic location: 9p23.
Variant type: single nucleotide variant.
Coding change: c.2214T>G on transcript NM_001378778.1 (MANE Select); coding-DNA position 2214, T replaced by G.
Protein change: p.Ile738Met; replaces isoleucine 738 with methionine.
Molecular consequence: missense variant.
Genome position (GRCh38, 1-based): chr9:13,188,934, A>C on the plus strand (T>G on the coding strand, the complement: MPDZ is on the minus strand). VCF-style: chr9-13188934-A-C. GRCh37 (hg19) VCF-style: chr9-13188933-A-C.
Other names: c.2214T>G, p.Ile738Met (NM_001261406.2, NM_001261407.2, NM_001330637.2 and 14 more transcripts); c.2214T>G (NM_003829.3); short protein forms I738M.
Identifiers: ClinVar variation 1470947 (VCV001470947.4), dbSNP rs770825861, ClinGen allele CA4987523.